The following is an entry in ClinVar:

ClinVar aggregate classification (germline): Likely benign (0 of 4 stars; one submission).

Conditions:
RET-related disorder. Also called: RET-related disorders; RET-related condition; RET-related disease.

Submission:

PreventionGenetics, part of Exact Sciences
Classification: Likely benign for RET-related condition. Last evaluated: 2024-07-29. Review status: no assertion criteria provided. Collection method: clinical testing. Allele origin: germline.
Comment: This variant is classified as likely benign based on ACMG/AMP sequence variant interpretation guidelines (Richards et al. 2015 PMID: 25741868, with internal and published modifications).

NM_020975.6(RET):c.57G>T (p.Leu19=)

Gene: RET (ret proto-oncogene; plus strand). Cytogenetic location: 10q11.21.
Variant type: single nucleotide variant.
Coding change: c.57G>T on transcript NM_020975.6 (MANE Select); coding-DNA position 57, G replaced by T.
Protein change: p.Leu19=; no amino-acid change (leucine 19 retained).
Molecular consequence: synonymous variant.
Genome position (GRCh38, 1-based): chr10:43,077,315, G>T. VCF-style: chr10-43077315-G-T. GRCh37 (hg19) VCF-style: chr10-43572763-G-T.
Other names: c.57G>T, p.Leu19= (NM_001406743.1, NM_001406744.1, NM_001406759.1 and 36 more transcripts).
Identifiers: ClinVar variation 3344343 (VCV003344343.1).